The following is an entry in ClinVar:

NM_020778.5(ALPK3):c.3635_3636del (p.Arg1212fs)

Gene: ALPK3 (alpha kinase 3; plus strand). Cytogenetic location: 15q25.3.
Variant type: Microsatellite.
Coding change: c.3635_3636del on transcript NM_020778.5 (MANE Select); coding-DNA positions 3635 to 3636, 2 bases deleted (GA; older notation c.3635_3636delGA).
Protein change: p.Arg1212fs; shifts the reading frame from arginine 1212.
Molecular consequence: frameshift variant.
Genome position (GRCh38, 1-based): chr15:84,858,373-84,858,374, GA deleted; deleting any 2 consecutive bases within chr15:84,858,369-84,858,374 gives the same sequence; the c. name uses the placement nearest the transcript's 3' end. VCF-style (leftmost placement, unchanged base first): chr15-84858368-GGA-G. GRCh37 (hg19) VCF-style: chr15-85401599-GGA-G.
Other names: short protein forms R1212fs.
Identifiers: ClinVar variation 1526097 (VCV001526097.1), dbSNP rs2141569401, ClinGen allele CA2580613307.
Genomic context (GRCh38, chr15:84,858,368, plus strand): 5'-GGTTTCCCCCCGGGGGCCCAGGAAAAGCCTGGTGCCTGGGTCCCCAGGGACTCCAGGGCG[GGA>G]GAGACGCTCCCCTACGCAGGGCAGAAAGGCGAGCATGCTGGAGGTGCCTCGGGCAGAGGA-3'

ClinVar aggregate classification (germline): Likely pathogenic (1 of 4 stars; one submission).

Conditions:
Cardiomyopathy, familial hypertrophic 27. Identifiers: MedGen C4748014, MONDO:0054838, OMIM 618052.

Submission:

3billion
Classification: Likely pathogenic for Cardiomyopathy, familial hypertrophic 27. Last evaluated: 2022-03-22. Review status: criteria provided, single submitter. Criteria: ACMG Guidelines, 2015. Collection method: clinical testing. Allele origin: germline. Affected: yes. Observed: 1 heterozygote.
Comment: Frameshift: predicted to result in a loss or disruption of normal protein function through nonsense-mediated decay (NMD) or protein truncation. Multiple pathogenic variants are reported downstream of the variant.It is not observed in the gnomAD v2.1.1 dataset. Therefore, this variant is classified as likely pathogenic according to the recommendation of ACMG/AMP guideline.